The following is an entry in ClinVar:

NM_024529.5(CDC73):c.-5G>T

Gene: CDC73 (cell division cycle 73; plus strand). Cytogenetic location: 1q31.2.
Variant type: single nucleotide variant.
Coding change: c.-5G>T on transcript NM_024529.5 (MANE Select); 5 bases upstream of the start codon, G replaced by T.
Molecular consequence: 5 prime UTR variant.
Genome position (GRCh38, 1-based): chr1:193,122,196, G>T. VCF-style: chr1-193122196-G-T. GRCh37 (hg19) VCF-style: chr1-193091326-G-T.
Identifiers: ClinVar variation 2590575 (VCV002590575.3), dbSNP rs1197664595, ClinGen allele CA2573971194.

ClinVar aggregate classification (germline): Uncertain significance (1 of 4 stars; one submission).

Conditions:
Hereditary cancer-predisposing syndrome. Also called: Tumor predisposition; Hereditary Cancer Syndrome; Hereditary neoplastic syndrome; Neoplastic Syndromes, Hereditary. Identifiers: Orphanet 140162, MedGen C0027672, MeSH D009386, MONDO:0015356.

Allele frequency attached by ClinVar (database versions not stated): gnomAD exomes below 0.00001.
gnomAD v4.1: 5 of 1,613,294 alleles (0.00031%); highest among the groups gnomAD compares: African/African-American, 0.0013%; no homozygotes.

Submission:

Ambry Genetics
Classification: Uncertain significance for Hereditary cancer-predisposing syndrome. Last evaluated: 2025-09-08. Review status: criteria provided, single submitter. Criteria: Ambry Variant Classification Scheme 2023. Collection method: clinical testing. Allele origin: germline.
Comment: The c.-5G>T variant is located in the 5' untranslated region (5&rsquo; UTR) of the CDC73 gene. This variant results from a G to T substitution 5 bases upstream from the first translated codon. This nucleotide position is not well conserved in available vertebrate species. Based on the available evidence, the clinical significance of this variant remains unclear.